The following is an entry in ClinVar:

ClinVar aggregate classification (germline): Uncertain significance. Review status: criteria provided, multiple submitters, no conflicts (2 of 4 stars). 2 submissions from 2 submitters: Uncertain significance (2). Last evaluated 2026-07-02.

Conditions:
Hereditary cancer-predisposing syndrome. Also called: Tumor predisposition; Hereditary Cancer Syndrome; Hereditary neoplastic syndrome; Neoplastic Syndromes, Hereditary. Identifiers: Orphanet 140162, MedGen C0027672, MeSH D009386, MONDO:0015356.
Oligodontia-cancer predisposition syndrome. Also called: TOOTH AGENESIS-COLORECTAL CANCER SYNDROME. Identifiers: Orphanet 300576, MedGen C1837750, MONDO:0012075, OMIM 608615. Disease mechanism: loss of function.

Submissions (2):

Ambry Genetics
Classification: Uncertain significance for Hereditary cancer-predisposing syndrome. Last evaluated: 2026-07-02. Review status: criteria provided, single submitter. Criteria: Ambry Variant Classification Scheme 2023. Collection method: clinical testing. Allele origin: germline.
Comment: The p.E611K variant (also known as c.1831G>A), located in coding exon 6 of the AXIN2 gene, results from a G to A substitution at nucleotide position 1831. The glutamic acid at codon 611 is replaced by lysine, an amino acid with similar properties. This amino acid position is conserved. In addition, this alteration is predicted to be tolerated by in silico analysis. Based on the available evidence, the clinical significance of this variant remains unclear.

Labcorp Genetics (formerly Invitae), Labcorp
Classification: Uncertain significance for Oligodontia-cancer predisposition syndrome. Last evaluated: 2025-09-24. Review status: criteria provided, single submitter. Criteria: Invitae Variant Classification Sherloc (09022015). Collection method: clinical testing. Allele origin: germline.
Comment: This sequence change replaces glutamic acid, which is acidic and polar, with lysine, which is basic and polar, at codon 611 of the AXIN2 protein (p.Glu611Lys). This variant is not present in population databases (gnomAD no frequency). This variant has not been reported in the literature in individuals affected with AXIN2-related conditions. ClinVar contains an entry for this variant (Variation ID: 1045957). Invitae Evidence Modeling of protein sequence and biophysical properties (such as structural, functional, and spatial information, amino acid conservation, physicochemical variation, residue mobility, and thermodynamic stability) indicates that this missense variant is not expected to disrupt AXIN2 protein function with a negative predictive value of 80%. In summary, the available evidence is currently insufficient to determine the role of this variant in disease. Therefore, it has been classified as a Variant of Uncertain Significance.

NM_004655.4(AXIN2):c.1831G>A (p.Glu611Lys)

Gene: AXIN2 (axin 2; minus strand). Cytogenetic location: 17q24.1.
Variant type: single nucleotide variant.
Coding change: c.1831G>A on transcript NM_004655.4 (MANE Select); coding-DNA position 1831, G replaced by A.
Protein change: p.Glu611Lys; replaces glutamic acid 611 with lysine.
Molecular consequence: missense variant. On other transcripts: intron variant (1).
Genome position (GRCh38, 1-based): chr17:65,536,945, C>T on the plus strand (G>A on the coding strand, the complement: AXIN2 is on the minus strand). VCF-style: chr17-65536945-C-T. GRCh37 (hg19) VCF-style: chr17-63533063-C-T.
Other names: c.1831G>A (NM_004655.3); c.1712+379G>A (NM_001363813.1); short protein forms E611K.
Identifiers: ClinVar variation 1045957 (VCV001045957.9), dbSNP rs2043933208, ClinGen allele CA400676542.
Genomic context (GRCh38, chr17:65,536,945, plus strand): 5'-TGCTCTGCCGCTCACTCTCCAGCATCCACTGCCAGACATCCTGCGACCTGTCTCCTTCCT[C>T]CCGGGGAAGCTGCAGGGCCCCAGCTCCGCCGGGGGCCCCTCCTTCCCTGGCGGGCAGGGC-3'
Protein context (NP_004646.3, residues 601-621): GGAGALQLPR[Glu611Lys]EGDRSQDVWQ